The following is an entry in ClinVar:

ClinVar aggregate classification (germline): Pathogenic/Likely pathogenic. Review status: criteria provided, multiple submitters, no conflicts (2 of 4 stars). 12 submissions from 12 submitters: Pathogenic (10); Likely pathogenic (1). 1 of the submissions does not count toward it. Last evaluated 2025-11-05.

Conditions:
Autosomal dominant BARD1-related disorders.
Breast and/or ovarian cancer. Identifiers: MedGen CN221562.
Hereditary cancer-predisposing syndrome. Also called: Hereditary neoplastic syndrome; Tumor predisposition; Neoplastic Syndromes, Hereditary; Hereditary Cancer Syndrome. Identifiers: Orphanet 140162, MedGen C0027672, MeSH D009386, MONDO:0015356.
Familial cancer of breast. Also called: hereditary breast carcinoma; Hereditary breast cancer; BREAST CANCER, FAMILIAL. Identifiers: Orphanet 227535, MedGen C0346153, MONDO:0016419, OMIM 114480. Disease mechanism: loss of function.
Malignant tumor of breast. Also called: Malignant breast neoplasm; Cancer breast. Identifiers: MedGen C0006142, MONDO:0007254. Disease mechanism: loss of function.

Allele frequency attached by ClinVar (database versions not stated): ExAC 0.00001; gnomAD 0.00001; gnomAD exomes 0.00001; TOPMed 0.00001.
gnomAD v4.1: 10 of 1,612,920 alleles (0.00062%); highest among the groups gnomAD compares: African/African-American, 0.0054%; no homozygotes.

Submissions (12):

Labcorp Genetics (formerly Invitae), Labcorp
Classification: Pathogenic for Familial cancer of breast. Last evaluated: 2025-11-05. Review status: criteria provided, single submitter. Criteria: Invitae Variant Classification Sherloc (09022015). Collection method: clinical testing. Allele origin: germline.
Comment: This sequence change creates a premature translational stop signal (p.Arg112*) in the BARD1 gene. It is expected to result in an absent or disrupted protein product. Loss-of-function variants in BARD1 are known to be pathogenic (PMID: 20077502, 21344236). This variant is present in population databases (rs758972589, gnomAD 0.007%). This premature translational stop signal has been observed in individual(s) with neuroblastoma (PMID: 23334666, 27083178). In at least one individual the variant was observed to be de novo. ClinVar contains an entry for this variant (Variation ID: 185139). For these reasons, this variant has been classified as Pathogenic.

Ambry Genetics
Classification: Pathogenic for Hereditary cancer-predisposing syndrome. Last evaluated: 2025-08-21. Review status: criteria provided, single submitter. Criteria: Ambry Variant Classification Scheme 2023. Collection method: clinical testing. Allele origin: germline.
Comment: The p.R112* pathogenic mutation (also known as c.334C>T), located in coding exon 3 of the BARD1 gene, results from a C to T substitution at nucleotide position 334. This changes the amino acid from an arginine to a stop codon within coding exon 3. This alteration was detected in a cohort of 8085 consecutive unselected Chinese breast cancer patients who underwent multi-gene panel testing (Sun L et al. Clin. Cancer Res. 2017 Oct;23(20):6113-6119), and has been reported in 1 of 124 patients with stage II-III triple negative breast cancer (Gonz&aacute;lez-Rivera M et al. Breast Cancer Res. Treat. 2016 Apr;156:507-515). This alteration has also been reported as a germline mutation in a cohort of patients with neuroblastoma tumors (Pugh TJ et al. Nat. Genet. 2013 Mar; 45(3):279-84. In addition to the clinical data presented in the literature, this alteration is expected to result in loss of function by premature protein truncation or nonsense-mediated mRNA decay. As such, this alteration is interpreted as a disease-causing mutation.

Variantyx, Inc.
Classification: Pathogenic for Autosomal dominant BARD1-related disorders. Last evaluated: 2025-03-10. Review status: criteria provided, single submitter. Criteria: Variantyx Assertion Criteria 2022. Collection method: clinical testing. Allele origin: germline. Affected: yes.
Comment: This is a nonsense variant in the BARD1 gene (OMIM: 601593). Pathogenic variants in this gene have been associated with autosomal dominant BARD1-related disorders. This variant introduces a premature termination codon in exon 3 out of 11. It is expected to result in loss of function, which is a known disease mechanism for BARD1 in this disorder (PMID: 20077502, 21344236, 31036035) (PVS1). The frequency of this variant in affected individuals is significantly increased compared to controls (PMID: 31036035, 27083178, 23334666, 28724667) (PS4). This variant has a 0.0054% maximum allele frequency in non-founder control populations. Based on the current evidence, this variant is classified as pathogenic for autosomal dominant BARD1-related disorders.

Department of Clinical Genetics, Copenhagen University Hospital, Rigshospitalet
Classification: Likely pathogenic for Hereditary cancer-predisposing syndrome. Last evaluated: 2025-02-04. Review status: criteria provided, single submitter. Criteria: ACMG Guidelines, 2015. Collection method: clinical testing. Allele origin: germline.
Comment: PVS1; PM2_SUP

GeneDx
Classification: Pathogenic. Last evaluated: 2024-04-16. Review status: criteria provided, single submitter. Criteria: GeneDx Variant Classification Process June 2021. Collection method: clinical testing. Allele origin: germline. Affected: yes.
Comment: Nonsense variant predicted to result in protein truncation or nonsense mediated decay in a gene for which loss-of-function is a known mechanism of disease; Observed in individuals with breast and/or ovarian cancer (PMID: 27083178, 28724667, 31036035, 32679805, 28888541); Not observed at significant frequency in large population cohorts (gnomAD); This variant is associated with the following publications: (PMID: 23334666, 28985766, 27083178, 28055978, 28152038, 28724667, 29292755, 31036035, 32679805, 28888541, 29922827, 32427313)

Myriad Genetics, Inc.
Classification: Pathogenic for Familial cancer of breast. Last evaluated: 2023-05-18. Review status: criteria provided, single submitter. Criteria: Myriad Autosomal Dominant, Autosomal Recessive and X-Linked Classification Criteria (2023). Collection method: clinical testing. Allele origin: unknown.
Comment: This variant is considered pathogenic. This variant creates a termination codon and is predicted to result in premature protein truncation.

Baylor Genetics
Classification: Pathogenic for Familial cancer of breast. Last evaluated: 2023-04-18. Review status: criteria provided, single submitter. Criteria: ACMG Guidelines, 2015. Collection method: clinical testing. Allele origin: unknown.

Women's Health and Genetics/Laboratory Corporation of America, LabCorp
Classification: Pathogenic for Malignant tumor of breast. Last evaluated: 2022-07-15. Review status: criteria provided, single submitter. Criteria: LabCorp Variant Classification Summary - May 2015. Collection method: clinical testing. Allele origin: germline.
Comment: Variant summary: BARD1 c.334C>T (p.Arg112X) results in a premature termination codon, predicted to cause a truncation of the encoded protein or absence of the protein due to nonsense mediated decay, which are commonly known mechanisms for disease. Truncations downstream of this position have been classified as pathogenic by our laboratory. The variant allele was found at a frequency of 1.5e-05 in 259978 control chromosomes (gnomAD and Palmer_2020). c.334C>T has been reported in the literature in multiple individuals affected with breast cancer (e.g. Gonzalez-Rivera_ 2016, Tavera-Tapia_2017, Sun_2017, Weber-Lassalle_2019) and in individuals with neuroblastoma and ovarian cancer (e.g.Pugh_2013, Lilyquist_2017). These data indicate that the variant is likely to be associated with disease. Four clinical diagnostic laboratories and a professional group (CZECANCA consortium) have submitted clinical-significance assessments for this variant to ClinVar after 2014 and all classified the variant as pathogenic. Based on the evidence outlined above, the variant was classified as pathogenic.

Quest Diagnostics Nichols Institute San Juan Capistrano
Classification: Pathogenic. Last evaluated: 2021-08-26. Review status: criteria provided, single submitter. Criteria: Quest Diagnostics criteria. Collection method: clinical testing. Allele origin: unknown.
Comment: This nonsense variant causes the premature termination of BARD1 protein synthesis. It has been described in individuals with breast cancer and neuroblastoma in the published literature (PMIDs: 31036035 (2019), 30781715 (2019), 28724667 (2017), 27083178 (2016), and 23334666 (2013)). Based on the available information, this variant is classified as pathogenic.

Color Diagnostics, LLC DBA Color Health
Classification: Pathogenic for Hereditary cancer-predisposing syndrome. Last evaluated: 2020-01-15. Review status: criteria provided, single submitter. Criteria: ACMG Guidelines, 2015. Collection method: clinical testing. Allele origin: germline.
Comment: This variant changes 1 nucleotide in exon 3 of the BARD1 gene, creating a premature translation stop signal. This variant is expected to result in an absent or non-functional protein product. This variant has been identified in 2/251010 chromosomes in the general population by the Genome Aggregation Database (gnomAD). Loss of BARD1 function is a known mechanism of disease. Based on the available evidence, this variant is classified as Pathogenic.

Juno Genomics, Hangzhou Juno Genomics, Inc
Classification: Pathogenic for Familial cancer of breast. Review status: criteria provided, single submitter. Criteria: ACMG Guidelines, 2015. Collection method: clinical testing. Allele origin: germline.
Comment: Absent from controls (or at extremely low frequency if recessive) in Genome Aggregation Database.;Null variant in a gene where loss of function (LOF) is a known mechanism of disease.;The prevalence of the variant in affected individuals is significantly increased compared to the prevalence in controls.

CZECANCA consortium
Classification: Pathogenic for Breast and/or ovarian cancer. Last evaluated: 2019-06-11. Review status: no assertion criteria provided. Collection method: clinical testing. Allele origin: germline. Affected: yes. Observed: 1 variant allele. Not counted in ClinVar's aggregate classification.

Literature cited by the submitters: PubMed 20077502 (cited by Labcorp Genetics (formerly Invitae), Labcorp); PubMed 21344236 (cited by Labcorp Genetics (formerly Invitae), Labcorp); PubMed 23334666 (cited by 4 submitters); PubMed 27083178 (cited by 4 submitters); PubMed 28724667 (cited by 3 submitters); PubMed 27913932 (cited by Women's Health and Genetics/Laboratory Corporation of America, LabCorp); PubMed 31036035 (cited by Women's Health and Genetics/Laboratory Corporation of America, LabCorp and Quest Diagnostics Nichols Institute San Juan Capistrano); PubMed 28888541 (cited by Women's Health and Genetics/Laboratory Corporation of America, LabCorp); PubMed 32427313 (cited by Women's Health and Genetics/Laboratory Corporation of America, LabCorp); PubMed 32679805 (cited by Quest Diagnostics Nichols Institute San Juan Capistrano); PubMed 29922827 (cited by Quest Diagnostics Nichols Institute San Juan Capistrano); PubMed 30781715 (cited by Quest Diagnostics Nichols Institute San Juan Capistrano); PubMed 32295079 (cited by CZECANCA consortium).

NM_000465.4(BARD1):c.334C>T (p.Arg112Ter)

Gene: BARD1 (BRCA1 associated RING domain 1; minus strand). Cytogenetic location: 2q35.
Variant type: single nucleotide variant.
Coding change: c.334C>T on transcript NM_000465.4 (MANE Select); coding-DNA position 334, C replaced by T.
Protein change: p.Arg112Ter; replaces arginine 112 with a stop codon.
Molecular consequence: nonsense. On other transcripts: non-coding transcript variant (1), intron variant (2).
Genome position (GRCh38, 1-based): chr2:214,792,327, G>A on the plus strand (C>T on the coding strand, the complement: BARD1 is on the minus strand). VCF-style: chr2-214792327-G-A. GRCh37 (hg19) VCF-style: chr2-215657051-G-A.
Other names: c.277C>T, p.Arg93Ter (NM_001282543.2); c.334C>T, p.Arg112Ter (NM_001282549.2); c.158+17085C>T (NM_001282548.2); c.215+4734C>T (NM_001282545.2); short protein forms R112*, R93*.
Identifiers: ClinVar variation 185139 (VCV000185139.33), dbSNP rs758972589, ClinGen allele CA191137.